The following is an entry in ClinVar:

ClinVar aggregate classification (germline): Likely pathogenic (1 of 4 stars; one submission).

Conditions:
Primary ciliary dyskinesia 7. Also called: CILIARY DYSKINESIA, PRIMARY, 7, WITH OR WITHOUT SITUS INVERSUS. Identifiers: Orphanet 244, MedGen C2678473, MONDO:0012748, OMIM 611884.

Submission:

Women's Health and Genetics/Laboratory Corporation of America, LabCorp
Classification: Likely pathogenic for Primary ciliary dyskinesia 7. Last evaluated: 2025-09-05. Review status: criteria provided, single submitter. Criteria: LabCorp Variant Classification Summary - May 2015. Collection method: clinical testing. Allele origin: germline.
Comment: Variant summary: DNAH11 c.9336+1G>A is located in a canonical splice-site and is predicted to affect mRNA splicing resulting in a significantly altered protein due to either exon skipping, shortening, or inclusion of intronic material. Variants that disrupt the consensus splice site are a relatively common cause of aberrant splicing and loss of DNAH11 function. Several computational tools predict a significant impact on normal splicing: Four predict the variant abolishes a 5' splicing donor site. However, these predictions have yet to be confirmed by functional studies. The frequency data for this variant in gnomAD is considered unreliable, as metrics indicate poor data quality at this position. To our knowledge, no occurrence of c.9336+1G>A in individuals affected with DNAH11-related conditions and no experimental evidence demonstrating its impact on protein function have been reported. No submitters have cited clinical-significance assessments for this variant to ClinVar. Based on the evidence outlined above, the variant was classified as likely pathogenic.

NM_001277115.2(DNAH11):c.9336+1G>A

Gene: DNAH11 (dynein axonemal heavy chain 11; plus strand). Cytogenetic location: 7p15.3.
Variant type: single nucleotide variant.
Coding change: c.9336+1G>A on transcript NM_001277115.2 (MANE Select); the canonical splice donor site of the intron after coding-DNA position 9336, G replaced by A.
Molecular consequence: splice donor variant.
Genome position (GRCh38, 1-based): chr7:21,774,000, G>A. VCF-style: chr7-21774000-G-A. GRCh37 (hg19) VCF-style: chr7-21813618-G-A.
Identifiers: ClinVar variation 4535701 (VCV004535701.1).